The following is an entry in ClinVar:

NM_052934.4(SLC26A9):c.514G>A (p.Val172Met)

Gene: SLC26A9 (solute carrier family 26 member 9; minus strand). Cytogenetic location: 1q32.1.
Variant type: single nucleotide variant.
Coding change: c.514G>A on transcript NM_052934.4 (MANE Select); coding-DNA position 514, G replaced by A.
Protein change: p.Val172Met; replaces valine 172 with methionine.
Molecular consequence: missense variant.
Genome position (GRCh38, 1-based): chr1:205,931,898, C>T on the plus strand (G>A on the coding strand, the complement: SLC26A9 is on the minus strand). VCF-style: chr1-205931898-C-T. GRCh37 (hg19) VCF-style: chr1-205901026-C-T.
Other names: c.514G>A, p.Val172Met (NM_134325.3); short protein forms V172M.
Identifiers: ClinVar variation 2639857 (VCV002639857.24), dbSNP rs146704092, ClinGen allele CA1358943.

ClinVar aggregate classification (germline): Benign (1 of 4 stars; one submission).

Allele frequency attached by ClinVar (database versions not stated): 1000 Genomes Project 0.00359; 1000 Genomes Project 30x 0.00359; ESP Exome Variant Server 0.00846.
gnomAD v4.1: 14,699 of 1,614,080 alleles (0.91%); highest among the groups gnomAD compares: Middle Eastern, 1.1%; 96 homozygotes.

Submission:

CeGaT Center for Human Genetics Tuebingen
Classification: Benign. Last evaluated: 2026-04-01. Review status: criteria provided, single submitter. Criteria: CeGaT Center For Human Genetics Tuebingen Variant Classification Criteria Version 2. Collection method: clinical testing. Allele origin: germline. Affected: yes. Observed: 8 variant alleles.
Comment: SLC26A9: BS1, BS2